The following is an entry in ClinVar:

NM_020738.4(KIDINS220):c.3571A>T (p.Thr1191Ser)

Gene: KIDINS220 (kinase D interacting substrate 220; minus strand). Cytogenetic location: 2p25.1.
Variant type: single nucleotide variant.
Coding change: c.3571A>T on transcript NM_020738.4 (MANE Select); coding-DNA position 3571, A replaced by T.
Protein change: p.Thr1191Ser; replaces threonine 1191 with serine.
Molecular consequence: missense variant. On other transcripts: non-coding transcript variant (1), intron variant (11).
Genome position (GRCh38, 1-based): chr2:8,747,159, T>A on the plus strand (A>T on the coding strand, the complement: KIDINS220 is on the minus strand). VCF-style: chr2-8747159-T-A. GRCh37 (hg19) VCF-style: chr2-8887289-T-A.
Other names: c.3574A>T, p.Thr1192Ser (NM_001348729.2); c.3414+2953A>T (NM_001348741.2, NM_001348742.2, NM_001348743.2 and 1 more transcripts); c.3528+728A>T (NM_001348738.2, NM_001348732.2); c.3417+2953A>T (NM_001348739.2, NM_001348740.2, NM_001348734.2); c.3531+728A>T (NM_001348731.2); c.3288+2953A>T (NM_001348736.2); short protein forms T1191S, T1192S.
Identifiers: ClinVar variation 3614512 (VCV003614512.2).

ClinVar aggregate classification (germline): Uncertain significance (1 of 4 stars; one submission).

Submission:

Labcorp Genetics (formerly Invitae), Labcorp
Classification: Uncertain significance. Last evaluated: 2024-02-02. Review status: criteria provided, single submitter. Criteria: Invitae Variant Classification Sherloc (09022015). Collection method: clinical testing. Allele origin: germline.
Comment: This sequence change replaces threonine, which is neutral and polar, with serine, which is neutral and polar, at codon 1191 of the KIDINS220 protein (p.Thr1191Ser). This variant is not present in population databases (gnomAD no frequency). This variant has not been reported in the literature in individuals affected with KIDINS220-related conditions. Experimental studies and prediction algorithms are not available or were not evaluated, and the functional significance of this variant is currently unknown. In summary, the available evidence is currently insufficient to determine the role of this variant in disease. Therefore, it has been classified as a Variant of Uncertain Significance.